The following is an entry in ClinVar:

ClinVar aggregate classification (germline): Uncertain significance (1 of 4 stars; one submission).

Conditions:
Brugada syndrome 4 (BRGDA4). Identifiers: Orphanet 130, MedGen C2678477, MONDO:0012743, OMIM 611876.

Submission:

Labcorp Genetics (formerly Invitae), Labcorp
Classification: Uncertain significance for Brugada syndrome 4. Last evaluated: 2020-10-03. Review status: criteria provided, single submitter. Criteria: Invitae Variant Classification Sherloc (09022015). Collection method: clinical testing. Allele origin: germline.
Comment: This sequence change replaces leucine with phenylalanine at codon 310 of the CACNB2 protein (p.Leu310Phe). The leucine residue is highly conserved and there is a small physicochemical difference between leucine and phenylalanine. This variant is not present in population databases (ExAC no frequency). In summary, the available evidence is currently insufficient to determine the role of this variant in disease. Therefore, it has been classified as a Variant of Uncertain Significance. Algorithms developed to predict the effect of missense changes on protein structure and function are either unavailable or do not agree on the potential impact of this missense change (SIFT: "Deleterious"; PolyPhen-2: "Probably Damaging"; Align-GVGD: "Class C0"). This variant has not been reported in the literature in individuals with CACNB2-related conditions.

NM_201596.3(CACNB2):c.1090C>T (p.Leu364Phe)

Gene: CACNB2 (calcium voltage-gated channel auxiliary subunit beta 2; plus strand). Cytogenetic location: 10p12.31.
Variant type: single nucleotide variant.
Coding change: c.1090C>T on transcript NM_201596.3 (MANE Select); coding-DNA position 1090, C replaced by T.
Protein change: p.Leu364Phe; replaces leucine 364 with phenylalanine.
Molecular consequence: missense variant.
Genome position (GRCh38, 1-based): chr10:18,534,111, C>T. VCF-style: chr10-18534111-C-T. GRCh37 (hg19) VCF-style: chr10-18823040-C-T.
Other names: c.925C>T, p.Leu309Phe (NM_000724.4); c.892C>T, p.Leu298Phe (NM_001167945.2); c.811C>T, p.Leu271Phe (NM_001330060.2); c.946C>T, p.Leu316Phe (NM_201570.3); c.1006C>T, p.Leu336Phe (NM_201571.4); c.934C>T, p.Leu312Phe (NM_201572.4); c.928C>T, p.Leu310Phe (NM_201590.3); c.976C>T, p.Leu326Phe (NM_201593.3); and 1 more; short protein forms L271F, L298F, L309F, L310F, L312F, L316F, L326F, L336F.
Identifiers: ClinVar variation 1003412 (VCV001003412.8), dbSNP rs2053326547, ClinGen allele CA376067670.